The following is an entry in ClinVar:

NM_001127255.2(NLRP7):c.931C>A (p.Leu311Ile)

Gene: NLRP7 (NLR family pyrin domain containing 7; minus strand). Cytogenetic location: 19q13.42.
Variant type: single nucleotide variant.
Coding change: c.931C>A on transcript NM_001127255.2 (MANE Select); coding-DNA position 931, C replaced by A.
Protein change: p.Leu311Ile; replaces leucine 311 with isoleucine.
Molecular consequence: missense variant.
Genome position (GRCh38, 1-based): chr19:54,939,888, G>T on the plus strand (C>A on the coding strand, the complement: NLRP7 is on the minus strand). VCF-style: chr19-54939888-G-T. GRCh37 (hg19) VCF-style: chr19-55451256-G-T.
Other names: c.931C>A, p.Leu311Ile (NM_001405531.1, NM_139176.4, NM_206828.4); short protein forms L311I.
Identifiers: ClinVar variation 893636 (VCV000893636.7), dbSNP rs79513034, ClinGen allele CA310018917.
Genomic context (GRCh38, chr19:54,939,888, plus strand): 5'-CCCTCCTGTCCTCCTCCAGGAAGCCCTCCACCCTTACGTAGATCGGCTGCTGCGCCAGGA[G>T]CTGGAGGTCCCTCAGTGCCCTGGGCCGCGTGGTGACCAGCAAGGCTGCCCTGGGTAACAT-3'
Protein context (NP_001120727.1, residues 301-321): TRPRALRDLQ[Leu311Ile]LAQQPIYVRV

ClinVar aggregate classification (germline): Likely benign. Review status: criteria provided, multiple submitters, no conflicts (2 of 4 stars). 2 submissions from 2 submitters: Likely benign (2). Last evaluated 2017-04-27.

Conditions:
Hydatidiform mole, recurrent, 1 (HYDM1). Identifiers: Orphanet 254688, Orphanet 99927, MedGen C3463897, MONDO:0009273, OMIM 231090. Disease mechanism: loss of function.

Allele frequency attached by ClinVar (database versions not stated): 1000 Genomes Project 30x 0.00484; 1000 Genomes Project 0.00519; TOPMed 0.00933; ESP Exome Variant Server 0.01061; ExAC 0.01346.
gnomAD v4.1: 22,989 of 1,613,830 alleles (1.4%); highest among the groups gnomAD compares: Non-Finnish European, 1.6%; 260 homozygotes.

Submissions (2):

Illumina Laboratory Services, Illumina
Classification: Likely benign for Hydatidiform mole, recurrent, 1. Last evaluated: 2017-04-27. Review status: criteria provided, single submitter. Criteria: ICSL Variant Classification Criteria 13 December 2019. Collection method: clinical testing. Allele origin: germline.
Comment: This variant was observed as part of a predisposition screen in an ostensibly healthy population. A literature search was performed for the gene, cDNA change, and amino acid change (where applicable). Publications were found based on this search. The evidence from the literature, in combination with allele frequency data from public databases where available, was sufficient to determine this variant is unlikely to cause disease. Therefore, this variant is classified as likely benign.

Breakthrough Genomics
Classification: Likely benign. Review status: criteria provided, single submitter. Criteria: ACMG Guidelines, 2015. Collection method: not provided. Allele origin: germline. Inheritance: Autosomal recessive inheritance. Affected: yes.

Literature cited by the submitters: PubMed 23963444 (cited by Illumina Laboratory Services, Illumina); PubMed 22025618 (cited by Illumina Laboratory Services, Illumina); PubMed 23515668 (cited by Illumina Laboratory Services, Illumina); PubMed 21659348 (cited by Illumina Laboratory Services, Illumina); PubMed 25376457 (cited by Illumina Laboratory Services, Illumina).